The following is an entry in ClinVar:

NM_024306.5(FA2H):c.554G>C (p.Trp185Ser)

Gene: FA2H (fatty acid 2-hydroxylase; minus strand). Cytogenetic location: 16q23.1.
Variant type: single nucleotide variant.
Coding change: c.554G>C on transcript NM_024306.5 (MANE Select); coding-DNA position 554, G replaced by C.
Protein change: p.Trp185Ser; replaces tryptophan 185 with serine.
Molecular consequence: missense variant.
Genome position (GRCh38, 1-based): chr16:74,726,284, C>G on the plus strand (G>C on the coding strand, the complement: FA2H is on the minus strand). VCF-style: chr16-74726284-C-G. GRCh37 (hg19) VCF-style: chr16-74760182-C-G.
Other names: short protein forms W185S.
Identifiers: ClinVar variation 3375693 (VCV003375693.1).
Genomic context (GRCh38, chr16:74,726,284, plus strand): 5'-CCTGTTGTAAATGACGTGAAGAGTCGGACGTTGCCCTGGGCAAAGGTTCGGTAGTAGGAC[C>G]AGCTGAGATACAGCACCAGGGGCACCCAGATGATGGGGACACTGTACCTGCAGGAAGGCC-3'
Protein context (NP_077282.3, residues 175-195): IWVPLVLYLS[Trp185Ser]SYYRTFAQGN

ClinVar aggregate classification (germline): Uncertain significance (1 of 4 stars; one submission).

gnomAD v4.1: 4 of 1,613,996 alleles (0.00025%); highest among the groups gnomAD compares: African/African-American, 0.0053%; no homozygotes.

Submission:

GeneDx
Classification: Uncertain significance. Last evaluated: 2024-05-10. Review status: criteria provided, single submitter. Criteria: GeneDx Variant Classification Process June 2021. Collection method: clinical testing. Allele origin: germline. Affected: yes.
Comment: Not observed at significant frequency in large population cohorts (gnomAD); In silico analysis supports that this missense variant has a deleterious effect on protein structure/function; Has not been previously published as pathogenic or benign to our knowledge